The following is an entry in ClinVar:

ClinVar aggregate classification (germline): Uncertain significance (1 of 4 stars; one submission).

Conditions:
Inborn genetic diseases. Identifiers: MedGen C0950123, MeSH D030342.

Submission:

Ambry Genetics
Classification: Uncertain significance for Inborn genetic diseases. Last evaluated: 2022-07-13. Review status: criteria provided, single submitter. Criteria: Ambry Variant Classification Scheme 2023. Collection method: clinical testing. Allele origin: germline.
Comment: The p.G1745A variant (also known as c.5234G>C), located in coding exon 30 of the ATR gene, results from a G to C substitution at nucleotide position 5234. The glycine at codon 1745 is replaced by alanine, an amino acid with similar properties. This amino acid position is conserved. In addition, the in silico prediction for this alteration is inconclusive. Since supporting evidence is limited at this time, the clinical significance of this alteration remains unclear.

NM_001184.4(ATR):c.5234G>C (p.Gly1745Ala)

Gene: ATR (ATR checkpoint kinase; minus strand). Cytogenetic location: 3q23.
Variant type: single nucleotide variant.
Coding change: c.5234G>C on transcript NM_001184.4 (MANE Select); coding-DNA position 5234, G replaced by C.
Protein change: p.Gly1745Ala; replaces glycine 1745 with alanine.
Molecular consequence: missense variant.
Genome position (GRCh38, 1-based): chr3:142,503,416, C>G on the plus strand (G>C on the coding strand, the complement: ATR is on the minus strand). VCF-style: chr3-142503416-C-G. GRCh37 (hg19) VCF-style: chr3-142222258-C-G.
Other names: c.5042G>C, p.Gly1681Ala (NM_001354579.2); short protein forms G1745A, G1681A.
Identifiers: ClinVar variation 1746246 (VCV001746246.2), dbSNP rs2473182699, ClinGen allele CA354818461.
Genomic context (GRCh38, chr3:142,503,416, plus strand): 5'-TATTACCTGTTAGCATGCACTCCATTCACCTGAGTGATAACAGTAGACAGCTGACCAAGA[C>G]CTAACATGGACTTTACTACACCATGATAATGAATGATCTAGAAATTTAAAAATATTTAAA-3'
Protein context (NP_001175.2, residues 1735-1755): HYHGVVKSML[Gly1745Ala]LGQLSTVITQ